The following is an entry in ClinVar:

NM_003072.5(SMARCA4):c.2022G>A (p.Pro674=)

Gene: SMARCA4 (SWI/SNF related BAF chromatin remodeling complex subunit ATPase 4; plus strand). Cytogenetic location: 19p13.2.
Variant type: single nucleotide variant.
Coding change: c.2022G>A on transcript NM_003072.5 (MANE Select); coding-DNA position 2022, G replaced by A.
Protein change: p.Pro674=; no amino-acid change (proline 674 retained).
Molecular consequence: synonymous variant. On other transcripts: non-coding transcript variant (1).
Genome position (GRCh38, 1-based): chr19:11,007,922, G>A. VCF-style: chr19-11007922-G-A. GRCh37 (hg19) VCF-style: chr19-11118598-G-A.
Other names: c.2022G>A, p.Pro674= (NM_001387283.1, NM_001128844.3, NM_001128845.2 and 5 more transcripts).
Identifiers: ClinVar variation 238386 (VCV000238386.18), dbSNP rs539865173, ClinGen allele CA9203991.

ClinVar aggregate classification (germline): Benign/Likely benign. Review status: criteria provided, multiple submitters, no conflicts (2 of 4 stars). 4 submissions from 4 submitters: Benign (2); Likely benign (2). Last evaluated 2026-07-10.

Conditions:
Hereditary cancer-predisposing syndrome. Also called: Hereditary Cancer Syndrome; Tumor predisposition; Hereditary neoplastic syndrome; Neoplastic Syndromes, Hereditary. Identifiers: Orphanet 140162, MedGen C0027672, MeSH D009386, MONDO:0015356.
Rhabdoid tumor predisposition syndrome 2 (RTPS2). Identifiers: Orphanet 231108, Orphanet 69077, MedGen C2750074, MONDO:0013224, OMIM 613325.

gnomAD v4.1: 38 of 1,613,312 alleles (0.0024%); highest among the groups gnomAD compares: South Asian, 0.016%; no homozygotes.

Submissions (4):

Myriad Genetics, Inc.
Classification: Benign for Rhabdoid tumor predisposition syndrome 2. Last evaluated: 2026-07-10. Review status: criteria provided, single submitter. Criteria: Myriad Autosomal Dominant, Autosomal Recessive and X-Linked Classification Criteria (2023). Collection method: clinical testing. Allele origin: unknown.
Comment: This variant is considered benign. This variant is a silent/synonymous amino acid change and it is not expected to impact splicing.

Labcorp Genetics (formerly Invitae), Labcorp
Classification: Likely benign for Rhabdoid tumor predisposition syndrome 2. Last evaluated: 2026-01-27. Review status: criteria provided, single submitter. Criteria: Invitae Variant Classification Sherloc (09022015). Collection method: clinical testing. Allele origin: germline.

Sema4
Classification: Benign for Hereditary cancer-predisposing syndrome. Last evaluated: 2021-04-28. Review status: criteria provided, single submitter. Criteria: Sema4 Curation Guidelines. Collection method: curation. Allele origin: germline.

Ambry Genetics
Classification: Likely benign for Hereditary cancer-predisposing syndrome. Last evaluated: 2017-01-18. Review status: criteria provided, single submitter. Criteria: Ambry Variant Classification Scheme 2023. Collection method: clinical testing. Allele origin: germline.